The following is an entry in ClinVar:

ClinVar aggregate classification (germline): Pathogenic. Review status: criteria provided, single submitter (1 of 4 stars). 2 submissions from 2 submitters: Pathogenic (1). 1 of the submissions does not count toward it. Last evaluated 2020-05-28.

Conditions:
Neurodevelopmental disorder with microcephaly and structural brain anomalies. Identifiers: Orphanet 699844, MedGen C5193123, MONDO:0032779, OMIM 618492.
Neurodevelopmental disorder with microcephaly, hypotonia, and variable brain anomalies (NMIHBA). Identifiers: Orphanet 544469, MedGen C4479566, MONDO:0060490, OMIM 617481.

Submissions (2):

Broad Center for Mendelian Genomics, Broad Institute of MIT and Harvard
Classification: Pathogenic for Neurodevelopmental disorder with microcephaly, hypotonia, and variable brain anomalies. Last evaluated: 2020-05-28. Review status: criteria provided, single submitter. Criteria: ACMG Guidelines, 2015. Collection method: research. Allele origin: germline. Inheritance: Autosomal recessive inheritance.
Comment: This variant has also been reported pathogenic by OMIM in ClinVar (Variation ID: 635401) and was absent from large population studies. Animal models in zebrafish have shown that this variant causes NEDMIBA (PMID: 31079899). This nonsense variant leads to a premature termination codon at position 290, which is predicted to lead to a truncated or absent protein. While there is some evidence to suggest that loss of function of the DYNC1I2 gene is a disease mechanism in autosomal recessive NEDMIBA, this association is not yet strongly established based on the criteria laid out in Tayoun, 2018 (PMID: 30192042). In summary, this variant meets criteria to be classified as pathogenic for NEDMIBA in an autosomal recessive manner based on the predicted impact of the variant and zebrafish models. ACMG/AMP Criteria applied: PVS1_Strong, PS3, PM2 (Richards 2015).

OMIM
Classification: Pathogenic for NEURODEVELOPMENTAL DISORDER WITH MICROCEPHALY AND STRUCTURAL BRAIN ANOMALIES. Last evaluated: 2019-07-02. Review status: no assertion criteria provided. Collection method: literature only. Allele origin: germline. Not counted in ClinVar's aggregate classification.

Literature cited by the submitters: PubMed 31079899 (cited by Broad Center for Mendelian Genomics, Broad Institute of MIT and Harvard and OMIM).

NM_001378.3(DYNC1I2):c.868C>T (p.Gln290Ter)

Gene: DYNC1I2 (dynein cytoplasmic 1 intermediate chain 2; plus strand). Cytogenetic location: 2q31.1.
Variant type: single nucleotide variant.
Coding change: c.868C>T on transcript NM_001378.3 (MANE Select); coding-DNA position 868, C replaced by T.
Protein change: p.Gln290Ter; replaces glutamine 290 with a stop codon.
Molecular consequence: nonsense.
Genome position (GRCh38, 1-based): chr2:171,726,291, C>T. VCF-style: chr2-171726291-C-T. GRCh37 (hg19) VCF-style: chr2-172582801-C-T.
Other names: c.868C>T, p.Gln290Ter (NM_001271785.2); c.844C>T, p.Gln282Ter (NM_001271786.2, NM_001271787.2); c.790C>T, p.Gln264Ter (NM_001271788.2, NM_001271789.2, NM_001271790.2 and 1 more transcripts); c.850C>T, p.Gln284Ter (NM_001320882.2, NM_001320883.2); short protein forms Q290*, Q282*, Q284*, Q264*.
Identifiers: ClinVar variation 635401 (VCV000635401.2), dbSNP rs1574596084, ClinGen allele CA349283390.